The following is an entry in ClinVar:

NM_018557.3(LRP1B):c.973C>T (p.Leu325Phe)

Gene: LRP1B (LDL receptor related protein 1B; minus strand). Cytogenetic location: 2q22.1.
Variant type: single nucleotide variant.
Coding change: c.973C>T on transcript NM_018557.3 (MANE Select); coding-DNA position 973, C replaced by T.
Protein change: p.Leu325Phe; replaces leucine 325 with phenylalanine.
Molecular consequence: missense variant.
Genome position (GRCh38, 1-based): chr2:141,188,461, G>A on the plus strand (C>T on the coding strand, the complement: LRP1B is on the minus strand). VCF-style: chr2-141188461-G-A. GRCh37 (hg19) VCF-style: chr2-141946030-G-A.
Other names: short protein forms L325F.
Identifiers: ClinVar variation 3388688 (VCV003388688.14).

ClinVar aggregate classification (germline): Likely benign (1 of 4 stars; one submission).

gnomAD v4.1: 133 of 1,612,450 alleles (0.0082%); highest among the groups gnomAD compares: Middle Eastern, 0.3%; 3 homozygotes.

Submission:

CeGaT Center for Human Genetics Tuebingen
Classification: Likely benign. Last evaluated: 2024-11-01. Review status: criteria provided, single submitter. Criteria: CeGaT Center For Human Genetics Tuebingen Variant Classification Criteria Version 2. Collection method: clinical testing. Allele origin: germline. Affected: yes. Observed: 1 variant allele.
Comment: LRP1B: BS1